The following is an entry in ClinVar:

ClinVar aggregate classification (germline): Pathogenic (1 of 4 stars; one submission).

Conditions:
Autosomal dominant nonsyndromic hearing loss 1. Also called: DEAFNESS, AUTOSOMAL DOMINANT 1, WITH OR WITHOUT THROMBOCYTOPENIA; KONIGSMARK SYNDROME. Identifiers: Orphanet 90635, MedGen C1852282, MONDO:0007424, OMIM 124900.
Progressive microcephaly-seizures-cortical blindness-developmental delay syndrome. Also called: Seizures, cortical blindness, and microcephaly syndrome. Identifiers: Orphanet 477814, MedGen C5567650, MONDO:0014714, OMIM 616632.

Submission:

Labcorp Genetics (formerly Invitae), Labcorp
Classification: Pathogenic for Progressive microcephaly-seizures-cortical blindness-developmental delay syndrome; Autosomal dominant nonsyndromic hearing loss 1. Last evaluated: 2020-03-06. Review status: criteria provided, single submitter. Criteria: Invitae Variant Classification Sherloc (09022015). Collection method: clinical testing. Allele origin: germline.
Comment: This sequence change creates a premature translational stop signal (p.Lys37*) in the DIAPH1 gene. It is expected to result in an absent or disrupted protein product. This variant is not present in population databases (ExAC no frequency). This variant has not been reported in the literature in individuals with DIAPH1-related conditions. Loss-of-function variants in DIAPH1 are known to be pathogenic (PMID: 24781755, 26463574). For these reasons, this variant has been classified as Pathogenic.

Literature cited by the submitters: PubMed 24781755; PubMed 26463574.

NM_005219.5(DIAPH1):c.108dup (p.Lys37Ter)

Gene: DIAPH1 (diaphanous related formin 1; minus strand). Cytogenetic location: 5q31.3.
Variant type: Duplication.
Coding change: c.108dup on transcript NM_005219.5 (MANE Select); coding-DNA position 108, one base duplicated (T; older notation c.108dupT).
Protein change: p.Lys37Ter; replaces lysine 37 with a stop codon.
Molecular consequence: nonsense.
Genome position (GRCh38, 1-based): chr5:141,618,807, A duplicated on the plus strand (T on the coding strand, the reverse complement: DIAPH1 is on the minus strand). VCF-style (leftmost placement, unchanged base first): chr5-141618806-T-TA. GRCh37 (hg19) VCF-style: chr5-140998373-T-TA.
Other names: c.108dup, p.Lys37Ter (NM_001079812.3, NM_001314007.2); short protein forms K37*.
Identifiers: ClinVar variation 1070912 (VCV001070912.9), dbSNP rs2154597562, ClinGen allele CA2499217705.